The following is an entry in ClinVar:

NM_138387.4(G6PC3):c.323C>G (p.Pro108Arg)

Gene: G6PC3 (glucose-6-phosphatase catalytic subunit 3; plus strand). Cytogenetic location: 17q21.31.
Variant type: single nucleotide variant.
Coding change: c.323C>G on transcript NM_138387.4 (MANE Select); coding-DNA position 323, C replaced by G.
Protein change: p.Pro108Arg; replaces proline 108 with arginine.
Molecular consequence: missense variant. On other transcripts: 5 prime UTR variant (4).
Genome position (GRCh38, 1-based): chr17:44,074,264, C>G. VCF-style: chr17-44074264-C-G. GRCh37 (hg19) VCF-style: chr17-42151632-C-G.
Other names: c.323C>G, p.Pro108Arg (NM_001319945.2); c.-23C>G (NM_001384165.1, NM_001384166.1, NM_001384167.1 and 1 more transcripts); short protein forms P108R.
Identifiers: ClinVar variation 4853896 (VCV004853896.1).

ClinVar aggregate classification (germline): Uncertain significance (1 of 4 stars; one submission).

Conditions:
Autosomal recessive severe congenital neutropenia due to G6PC3 deficiency. Also called: NEUTROPENIA, SEVERE CONGENITAL, 4, AUTOSOMAL RECESSIVE; G6PC3 Deficiency. Identifiers: Orphanet 331176, MedGen C2751630, MONDO:0012930, OMIM 612541.

Submission:

3billion
Classification: Uncertain significance for Autosomal recessive severe congenital neutropenia due to G6PC3 deficiency. Last evaluated: 2025-07-15. Review status: criteria provided, single submitter. Criteria: ACMG Guidelines, 2015. Collection method: clinical testing. Allele origin: germline. Affected: yes.
Comment: The variant is not observed in the gnomAD v4.1.0 dataset. Predicted Consequence/Location: Missense variant In silico tool predictions suggest damaging effect of the variant on gene or gene product [REVEL: 0.73 (>=0.6, sensitivity 0.68 and specificity 0.92); 3Cnet: 0.99 (> 0.75, sensitivity 0.96 and precision 0.92)]. Therefore, this variant is classified as VUS according to the recommendation of ACMG/AMP guideline.